The following is an entry in ClinVar:

NM_080680.3(COL11A2):c.3964C>T (p.Pro1322Ser)

Gene: COL11A2 (collagen type XI alpha 2 chain; minus strand). Cytogenetic location: 6p21.32.
Variant type: single nucleotide variant.
Coding change: c.3964C>T on transcript NM_080680.3 (MANE Select); coding-DNA position 3964, C replaced by T.
Protein change: p.Pro1322Ser; replaces proline 1322 with serine.
Molecular consequence: missense variant.
Genome position (GRCh38, 1-based): chr6:33,167,849, G>A on the plus strand (C>T on the coding strand, the complement: COL11A2 is on the minus strand). VCF-style: chr6-33167849-G-A. GRCh37 (hg19) VCF-style: chr6-33135626-G-A.
Other names: c.3643C>T, p.Pro1215Ser (NM_080679.3); c.3706C>T, p.Pro1236Ser (NM_080681.3); short protein forms P1215S, P1236S, P1322S.
Identifiers: ClinVar variation 1993743 (VCV001993743.5), dbSNP rs2534611583, ClinGen allele CA363624340.

ClinVar aggregate classification (germline): Uncertain significance. Review status: criteria provided, multiple submitters, no conflicts (2 of 4 stars). 2 submissions from 2 submitters: Uncertain significance (2). Last evaluated 2024-06-17.

Submissions (2):

Blueprint Genetics
Classification: Uncertain significance. Last evaluated: 2024-06-17. Review status: criteria provided, single submitter. Criteria: ACMG Guidelines, 2015. Collection method: clinical testing. Allele origin: germline.

Labcorp Genetics (formerly Invitae), Labcorp
Classification: Uncertain significance. Last evaluated: 2022-05-12. Review status: criteria provided, single submitter. Criteria: Invitae Variant Classification Sherloc (09022015). Collection method: clinical testing. Allele origin: germline.
Comment: In summary, the available evidence is currently insufficient to determine the role of this variant in disease. Therefore, it has been classified as a Variant of Uncertain Significance. Advanced modeling of protein sequence and biophysical properties (such as structural, functional, and spatial information, amino acid conservation, physicochemical variation, residue mobility, and thermodynamic stability) performed at Invitae indicates that this missense variant is not expected to disrupt COL11A2 protein function. This variant has not been reported in the literature in individuals affected with COL11A2-related conditions. This variant is not present in population databases (gnomAD no frequency). This sequence change replaces proline, which is neutral and non-polar, with serine, which is neutral and polar, at codon 1322 of the COL11A2 protein (p.Pro1322Ser).